The following is an entry in ClinVar:

NM_001166412.2(SMOC2):c.256+2T>C

Gene: SMOC2 (SPARC related modular calcium binding 2; plus strand). Cytogenetic location: 6q27.
Variant type: single nucleotide variant.
Coding change: c.256+2T>C on transcript NM_001166412.2 (MANE Select); the canonical splice donor site of the intron after coding-DNA position 256, T replaced by C.
Molecular consequence: splice donor variant.
Genome position (GRCh38, 1-based): chr6:168,510,088, T>C. VCF-style: chr6-168510088-T-C. GRCh37 (hg19) VCF-style: chr6-168910768-T-C.
Other names: c.256+2T>C (NM_022138.3).
Identifiers: ClinVar variation 5006993 (VCV005006993.2).

ClinVar aggregate classification (germline): Uncertain significance (1 of 4 stars; one submission).

Conditions:
Dentin dysplasia, type IA (DTDP1A). Also called: DENTIN DYSPLASIA, SHIELDS TYPE I; RADICULAR DENTIN DYSPLASIA. Identifiers: MedGen CN380811, OMIM 125400.

Submission:

Juno Genomics, Hangzhou Juno Genomics, Inc
Classification: Uncertain significance for Dentin dysplasia, type IA. Review status: criteria provided, single submitter. Criteria: ACMG Guidelines, 2015. Collection method: clinical testing. Allele origin: germline.
Comment: Absent from controls (or at extremely low frequency if recessive) in Genome Aggregation Database.